The following is an entry in ClinVar:

NM_005120.3(MED12):c.1313G>A (p.Arg438His)

Genes: MED12 (mediator complex subunit 12; plus strand), LOC126863275 (BRD4-independent group 4 enhancer GRCh37_chrX:70342400-70343599; plus strand). Cytogenetic location: Xq13.1.
Variant type: single nucleotide variant.
Coding change: c.1313G>A on transcript NM_005120.3 (MANE Select); coding-DNA position 1313, G replaced by A.
Protein change: p.Arg438His; replaces arginine 438 with histidine.
Molecular consequence: missense variant.
Genome position (GRCh38, 1-based): chrX:71,122,572, G>A. VCF-style: chrX-71122572-G-A. GRCh37 (hg19) VCF-style: chrX-70342422-G-A.
Other names: short protein forms R438H.
Identifiers: ClinVar variation 134639 (VCV000134639.25), dbSNP rs587778439, ClinGen allele CA160393.
Genomic context (GRCh38, chrX:71,122,572, plus strand): 5'-GTGCAAAGTTGCGGGAGATCGAGCAGCAGATCAAGGAGCGGGGACAGGCAGTTGAAGTTC[G>A]CTGGTCTTTCGATAAATGCCAGGAAGCTACTGCAGGTATGTGTCAGAGAACAGATAATAG-3'
Protein context (NP_005111.2, residues 428-448): IKERGQAVEV[Arg438His]WSFDKCQEAT

ClinVar aggregate classification (germline): Uncertain significance. Review status: criteria provided, multiple submitters, no conflicts (2 of 4 stars). 3 submissions from 3 submitters: Uncertain significance (2). 1 of the submissions does not count toward it. Last evaluated 2025-08-29.

Conditions:
FG syndrome (FGS). Identifiers: MedGen C0220769, MONDO:0002010.

Allele frequency attached by ClinVar (database versions not stated): gnomAD exomes below 0.00001.
gnomAD v4.1: 3 of 1,211,150 alleles (0.00025%); highest among the groups gnomAD compares: South Asian, 0.0053%; no homozygotes.

Submissions (3):

Labcorp Genetics (formerly Invitae), Labcorp
Classification: Uncertain significance for FG syndrome. Last evaluated: 2025-08-29. Review status: criteria provided, single submitter. Criteria: Invitae Variant Classification Sherloc (09022015). Collection method: clinical testing. Allele origin: germline.
Comment: This sequence change replaces arginine, which is basic and polar, with histidine, which is basic and polar, at codon 438 of the MED12 protein (p.Arg438His). This variant is not present in population databases (gnomAD no frequency). This variant has not been reported in the literature in individuals affected with MED12-related conditions. ClinVar contains an entry for this variant (Variation ID: 134639). Invitae Evidence Modeling of protein sequence and biophysical properties (such as structural, functional, and spatial information, amino acid conservation, physicochemical variation, residue mobility, and thermodynamic stability) indicates that this missense variant is expected to disrupt MED12 protein function with a positive predictive value of 80%. In summary, the available evidence is currently insufficient to determine the role of this variant in disease. Therefore, it has been classified as a Variant of Uncertain Significance.

CeGaT Center for Human Genetics Tuebingen
Classification: Uncertain significance. Last evaluated: 2023-11-01. Review status: criteria provided, single submitter. Criteria: CeGaT Center For Human Genetics Tuebingen Variant Classification Criteria Version 2. Collection method: clinical testing. Allele origin: germline. Affected: yes. Observed: 2 variant alleles.
Comment: MED12: PM2, PS4:Supporting

ITMI
No classification provided. Condition: AllHighlyPenetrant. Last evaluated: 2013-09-19. Review status: no classification provided. Collection method: reference population. Allele origin: germline. Not counted in ClinVar's aggregate classification.
Comment: Please see associated publication for description of ethnicities

Literature cited by the submitters: PubMed 24728327 (cited by ITMI).